The following is an entry in ClinVar:

ClinVar aggregate classification (germline): Pathogenic (1 of 4 stars; one submission).

Conditions:
Otospondylomegaepiphyseal dysplasia, autosomal recessive (OSMEDB). Also called: CHONDRODYSTROPHY WITH SENSORINEURAL DEAFNESS; Insley-Astley syndrome. Identifiers: Orphanet 1427, MedGen CN034493, MONDO:0044206, OMIM 215150.

gnomAD v4.1: 2 of 1,613,978 alleles (0.00012%); no homozygotes.

Submission:

Women's Health and Genetics/Laboratory Corporation of America, LabCorp
Classification: Pathogenic for Otospondylomegaepiphyseal dysplasia, autosomal recessive. Last evaluated: 2026-01-06. Review status: criteria provided, single submitter. Criteria: LabCorp Variant Classification Summary - May 2015. Collection method: clinical testing. Allele origin: germline.
Comment: Variant summary: COL11A2 c.4153C>T (p.Gln1385X) results in a premature termination codon, predicted to cause a truncation of the encoded protein or absence of the protein due to nonsense mediated decay, which are commonly known mechanisms for disease. The variant was absent in 247626 control chromosomes. To our knowledge, no occurrence of c.4153C>T in individuals affected with COL11A2-related conditions and no experimental evidence demonstrating its impact on protein function have been reported. No submitters have cited clinical-significance assessments for this variant to ClinVar. Based on the evidence outlined above, the variant was classified as pathogenic.

NM_080680.3(COL11A2):c.4153C>T (p.Gln1385Ter)

Gene: COL11A2 (collagen type XI alpha 2 chain; minus strand). Cytogenetic location: 6p21.32.
Variant type: single nucleotide variant.
Coding change: c.4153C>T on transcript NM_080680.3 (MANE Select); coding-DNA position 4153, C replaced by T.
Protein change: p.Gln1385Ter; replaces glutamine 1385 with a stop codon.
Molecular consequence: nonsense.
Genome position (GRCh38, 1-based): chr6:33,167,287, G>A on the plus strand (C>T on the coding strand, the complement: COL11A2 is on the minus strand). VCF-style: chr6-33167287-G-A. GRCh37 (hg19) VCF-style: chr6-33135064-G-A.
Other names: c.3973C>T, p.Gln1325Ter (NM_001424108.1); c.3307C>T, p.Gln1103Ter (NM_001424109.1); c.3127C>T, p.Gln1043Ter (NM_001424110.1, NM_001424111.1); c.2107C>T, p.Gln703Ter (NM_001424112.1); c.3832C>T, p.Gln1278Ter (NM_080679.3); c.3895C>T, p.Gln1299Ter (NM_080681.3); short protein forms Q1043*, Q1103*, Q1278*, Q1299*, Q1325*, Q1385*, Q703*.
Identifiers: ClinVar variation 4689626 (VCV004689626.1).